The following is an entry in ClinVar:

ClinVar aggregate classification (germline): Conflicting classifications of pathogenicity. Review status: criteria provided, conflicting classifications (1 of 4 stars). 2 submissions from 2 submitters: Uncertain significance (1); Likely benign (1). Last evaluated 2025-12-30.

Conditions:
Inborn genetic diseases. Identifiers: MedGen C0950123, MeSH D030342.

gnomAD v4.1: 16 of 1,596,894 alleles (0.001%); highest among the groups gnomAD compares: Non-Finnish European, 0.0014%; no homozygotes.

Submissions (2):

Women's Health and Genetics/Laboratory Corporation of America, LabCorp
Classification: Likely benign. Last evaluated: 2025-12-30. Review status: criteria provided, single submitter. Criteria: LabCorp Variant Classification Summary - May 2015. Collection method: clinical testing. Allele origin: germline.
Comment: Variant summary: MYH14 c.1828T>G (p.Trp610Gly) results in a non-conservative amino acid change in the encoded protein sequence. Algorithms developed to predict the effect of missense changes on protein structure and function all suggest that this variant is likely to be disruptive. The variant allele was found at a frequency of 1e-05 in 1596894 control chromosomes, predominantly at a frequency of 1.4e-05 within the Non-Finnish European subpopulation in the gnomAD database. The observed variant frequency within Non-Finnish European control individuals in the gnomAD database exceeds the estimated maximal expected allele frequency for disease-causing variants in MYH14. To our knowledge, no occurrence of c.1828T>G in individuals affected with MYH14-related conditions and no experimental evidence demonstrating its impact on protein function have been reported. No submitters have cited clinical-significance assessments for this variant to ClinVar. Based on the evidence outlined above, the variant was classified as likely benign.

Ambry Genetics
Classification: Uncertain significance for Inborn genetic diseases. Last evaluated: 2025-09-25. Review status: criteria provided, single submitter. Criteria: Ambry Variant Classification Scheme 2023. Collection method: clinical testing. Allele origin: germline.

NM_001145809.2(MYH14):c.1852T>G (p.Trp618Gly)

Gene: MYH14 (myosin heavy chain 14; plus strand). Cytogenetic location: 19q13.33.
Variant type: single nucleotide variant.
Coding change: c.1852T>G on transcript NM_001145809.2 (MANE Select); coding-DNA position 1852, T replaced by G.
Protein change: p.Trp618Gly; replaces tryptophan 618 with glycine.
Molecular consequence: missense variant.
Genome position (GRCh38, 1-based): chr19:50,252,660, T>G. VCF-style: chr19-50252660-T-G. GRCh37 (hg19) VCF-style: chr19-50755917-T-G.
Other names: c.1852T>G, p.Trp618Gly (NM_001077186.2); c.1828T>G, p.Trp610Gly (NM_024729.4); short protein forms W618G, W610G.
Identifiers: ClinVar variation 4625420 (VCV004625420.2).
Genomic context (GRCh38, chr19:50,252,660, plus strand): 5'-CCTGCAAGTCATCGCCCTCCTCTACCTGACTTCATTCAGGTCGACTACAAGGCCAACGAG[T>G]GGCTGATGAAAAACATGGACCCTCTGAATGACAACGTCGCAGCCTTGCTCCACCAGAGCA-3'
Protein context (NP_001139281.1, residues 608-628): AGKVDYKANE[Trp618Gly]LMKNMDPLND